The following is an entry in ClinVar:

NC_000001.10:g.(?_193091321)_(193219852_?)dup

Genes: B3GALT2 (beta-1,3-galactosyltransferase 2; minus strand), CDC73 (cell division cycle 73; plus strand), MIR1278 (microRNA 1278; plus strand), LOC129932147 (ATAC-STARR-seq lymphoblastoid active region 2269; plus strand). Cytogenetic location: 1q31.2.
Variant type: Duplication.
Identifiers: ClinVar variation 642042 (VCV000642042.2).

ClinVar aggregate classification (germline): Uncertain significance (1 of 4 stars; one submission).

Conditions:
Parathyroid carcinoma (PRTC). Also called: Parathyroid gland carcinoma; CDC73-Related Parathyroid Carcinoma. Identifiers: Orphanet 143, MedGen C0687150, MONDO:0012004, OMIM 608266, HP:0006780.

Submission:

Labcorp Genetics (formerly Invitae), Labcorp
Classification: Uncertain significance for Parathyroid carcinoma. Last evaluated: 2019-11-13. Review status: criteria provided, single submitter. Criteria: Invitae Variant Classification Sherloc (09022015). Collection method: clinical testing. Allele origin: germline.
Comment: This variant results in a copy number gain of the genomic region encompassing the full coding sequence of the CDC73 gene. The boundaries of this event are unknown as they extend beyond the assayed region for this gene and therefore may encompass additional genes. As the precise location of this event is unknown, it may be in tandem or it may be located elsewhere in the genome. This variant has not been reported in the literature in individuals with CDC73-related disease. In summary, the available evidence is currently insufficient to determine the role of this variant in disease. Therefore, it has been classified as a Variant of Uncertain Significance.